The following is an entry in ClinVar:

NM_022455.5(NSD1):c.6471G>A (p.Trp2157Ter)

Gene: NSD1 (nuclear receptor binding SET domain protein 1; plus strand). Cytogenetic location: 5q35.3.
Variant type: single nucleotide variant.
Coding change: c.6471G>A on transcript NM_022455.5 (MANE Select); coding-DNA position 6471, G replaced by A.
Protein change: p.Trp2157Ter; replaces tryptophan 2157 with a stop codon.
Molecular consequence: nonsense.
Genome position (GRCh38, 1-based): chr5:177,293,839, G>A. VCF-style: chr5-177293839-G-A. GRCh37 (hg19) VCF-style: chr5-176720840-G-A.
Other names: c.5598G>A, p.Trp1866Ter (NM_001365684.2, NM_001409308.1, NM_172349.5); c.6471G>A, p.Trp2157Ter (NM_001409301.1, NM_001409302.1, NM_001409303.1); c.6051G>A, p.Trp2017Ter (NM_001409304.1); c.5718G>A, p.Trp1906Ter (NM_001409305.1); c.5709G>A, p.Trp1903Ter (NM_001409306.1, NM_001409307.1); c.5349G>A, p.Trp1783Ter (NM_001409309.1); short protein forms W1783*, W1866*, W1888*, W1903*, W1906*, W2017*, W2157*.
Identifiers: ClinVar variation 1806614 (VCV001806614.1), dbSNP rs2480828401, ClinGen allele CA362323222.
Genomic context (GRCh38, chr5:177,293,839, plus strand): 5'-TGTGATATGTATCTCTTTTTTCCTAAACTTTTGATTTACTTCTGTGTTTTCAGGGAAATG[G>A]GAATGTCCGTGGCATCAGTGTGACATCTGCGGGAAGGAAGCAGCCTCCTTCTGTGAGATG-3'

ClinVar aggregate classification (germline): Pathogenic (1 of 4 stars; one submission).

Submission:

GeneDx
Classification: Pathogenic. Last evaluated: 2022-06-23. Review status: criteria provided, single submitter. Criteria: GeneDx Variant Classification Process June 2021. Collection method: clinical testing. Allele origin: germline. Affected: yes.
Comment: Nonsense variant in the C-terminus predicted to result in protein truncation, as the last 540 amino acids are lost, and other loss-of-function variants have been reported downstream in HGMD; Not observed at significant frequency in large population cohorts (gnomAD); This variant is associated with the following publications: (PMID: 28475857)